The following is an entry in ClinVar:

NM_001943.5(DSG2):c.1573A>G (p.Asn525Asp)

Gene: DSG2 (desmoglein 2; plus strand). Cytogenetic location: 18q12.1.
Variant type: single nucleotide variant.
Coding change: c.1573A>G on transcript NM_001943.5 (MANE Select); coding-DNA position 1573, A replaced by G.
Protein change: p.Asn525Asp; replaces asparagine 525 with aspartic acid.
Molecular consequence: missense variant.
Genome position (GRCh38, 1-based): chr18:31,536,351, A>G. VCF-style: chr18-31536351-A-G. GRCh37 (hg19) VCF-style: chr18-29116314-A-G.
Other names: p.N525D:AAC>GAC; c.1573A>G (LRG_397t1); short protein forms N525D.
Identifiers: ClinVar variation 199789 (VCV000199789.1), dbSNP rs794728079, ClinGen allele CA021493.

ClinVar aggregate classification (germline): Likely benign (1 of 4 stars; one submission).

Allele frequency attached by ClinVar (database versions not stated): gnomAD exomes below 0.00001.
gnomAD v4.1: 1 of 1,614,198 alleles (0.000062%); highest among the groups gnomAD compares: East Asian, 0.0022%; no homozygotes.

Submission:

GeneDx
Classification: Likely benign. Last evaluated: 2011-10-05. Review status: criteria provided, single submitter. Criteria: GeneDx Variant Classification (06012015). Collection method: clinical testing. Allele origin: germline. Affected: yes.
Comment: This variant is considered likely benign or benign based on one or more of the following criteria: it is a conservative change, it occurs at a poorly conserved position in the protein, it is predicted to be benign by multiple in silico algorithms, and/or has population frequency not consistent with disease.